The following is an entry in ClinVar:

NM_001378609.3(OTOGL):c.3729G>A (p.Pro1243=)

Gene: OTOGL (otogelin like; plus strand). Cytogenetic location: 12q21.31.
Variant type: single nucleotide variant.
Coding change: c.3729G>A on transcript NM_001378609.3 (MANE Select); coding-DNA position 3729, G replaced by A.
Protein change: p.Pro1243=; no amino-acid change (proline 1243 retained).
Molecular consequence: synonymous variant.
Genome position (GRCh38, 1-based): chr12:80,318,640, G>A. VCF-style: chr12-80318640-G-A. GRCh37 (hg19) VCF-style: chr12-80712420-G-A.
Other names: p.Pro1234=; c.3594G>A, p.Pro1198= (NM_001368062.3); c.3729G>A, p.Pro1243= (NM_001378610.3, NM_173591.7).
Identifiers: ClinVar variation 226944 (VCV000226944.20), dbSNP rs10778725, ClinGen allele CA6701164.
Genomic context (GRCh38, chr12:80,318,640, plus strand): 5'-TGGGCAGAGTGGCCTTGTTCTGGGGGCCAATATGACCAGCAGAAGCGTTTTCTGTTTGCC[G>A]AGAAGCAGTGTTCATACCAGTTTATTTTTTTATTTTATGATCACTCCAGGCCTTTTCAAA-3'
Protein context (NP_001365538.2, residues 1233-1253): NMTSRSVFCL[Pro1243=]RSSVHTSLFF

ClinVar aggregate classification (germline): Benign. Review status: criteria provided, multiple submitters, no conflicts (2 of 4 stars). 7 submissions from 7 submitters: Benign (5). 2 of the submissions do not count toward it. Last evaluated 2026-02-04.

Allele frequency attached by ClinVar (database versions not stated): 1000 Genomes Project 0.94848; gnomAD exomes 0.94857 and 0.97569; TOPMed 0.95649; ExAC 0.96180; 1000 Genomes Project 30x 0.94847; gnomAD 0.96377 and 0.96249; ESP Exome Variant Server 0.97287.
gnomAD v4.1: 1,431,143 of 1,468,996 alleles (97%); highest among the groups gnomAD compares: Middle Eastern, 98%; 697,666 homozygotes.

Submissions (7):

Labcorp Genetics (formerly Invitae), Labcorp
Classification: Benign. Last evaluated: 2026-02-04. Review status: criteria provided, single submitter. Criteria: Invitae Variant Classification Sherloc (09022015). Collection method: clinical testing. Allele origin: germline.

Mayo Clinic Laboratories, Mayo Clinic
Classification: Benign. Last evaluated: 2020-08-28. Review status: criteria provided, single submitter. Criteria: ACMG Guidelines, 2015. Collection method: clinical testing. Allele origin: germline. Observed: 159 variant alleles.

GeneDx
Classification: Benign. Last evaluated: 2017-05-09. Review status: criteria provided, single submitter. Criteria: GeneDx Variant Classification (06012015). Collection method: clinical testing. Allele origin: germline. Affected: yes.
Comment: This variant is considered likely benign or benign based on one or more of the following criteria: it is a conservative change, it occurs at a poorly conserved position in the protein, it is predicted to be benign by multiple in silico algorithms, and/or has population frequency not consistent with disease.

Laboratory for Molecular Medicine, Mass General Brigham Personalized Medicine
Classification: Benign. Last evaluated: 2014-11-24. Review status: criteria provided, single submitter. Criteria: LMM Criteria. Collection method: clinical testing. Allele origin: germline. Observed: 1,019 variant alleles.
Comment: Pro1234Pro in exon 32 of OTOGL: This variant is not expected to have clinical si gnificance because it does not alter an amino acid residue and is not located wi thin the splice consensus sequence. It has been identified in 4.5% (160/3556) of African American chromosomes from a broad population by the NHLBI Exome Sequenc ing Project (dbSNP rs10778725).

Breakthrough Genomics
Classification: Benign. Review status: criteria provided, single submitter. Criteria: ACMG Guidelines, 2015. Collection method: not provided. Allele origin: germline. Inheritance: Autosomal recessive inheritance. Affected: yes.

Diagnostic Laboratory, Department of Genetics, University Medical Center Groningen
Classification: Benign. Review status: no assertion criteria provided. Collection method: clinical testing. Allele origin: germline. Affected: yes. Study: VKGL Data-share Consensus. Not counted in ClinVar's aggregate classification.

Joint Genome Diagnostic Labs from Nijmegen and Maastricht, Radboudumc and MUMC+
Classification: Benign. Review status: no assertion criteria provided. Collection method: clinical testing. Allele origin: germline. Affected: yes. Study: VKGL Data-share Consensus. Not counted in ClinVar's aggregate classification.